The following is an entry in ClinVar:

NM_007289.4(MME):c.1030G>A (p.Val344Met)

Gene: MME (membrane metalloendopeptidase; plus strand). Cytogenetic location: 3q25.2.
Variant type: single nucleotide variant.
Coding change: c.1030G>A on transcript NM_007289.4 (MANE Select); coding-DNA position 1030, G replaced by A.
Protein change: p.Val344Met; replaces valine 344 with methionine.
Molecular consequence: missense variant.
Genome position (GRCh38, 1-based): chr3:155,142,063, G>A. VCF-style: chr3-155142063-G-A. GRCh37 (hg19) VCF-style: chr3-154859852-G-A.
Other names: c.1030G>A, p.Val344Met (NM_000902.5, NM_001354642.2, NM_001354643.1 and 2 more transcripts); short protein forms V344M.
Identifiers: ClinVar variation 2127124 (VCV002127124.4), dbSNP rs1420137488, ClinGen allele CA355129882.
Genomic context (GRCh38, chr3:155,142,063, plus strand): 5'-TTGAATTTCACAAATGAAATCATGTCAACTGTGAATATTAGTATTACAAATGAGGAAGAT[G>A]TGGTTGTTTATGCTCCAGAATATTTAACCAAACTTAAGCCCATTCTTACCAAATATTCTG-3'
Protein context (NP_009220.2, residues 334-354): VNISITNEED[Val344Met]VVYAPEYLTK

ClinVar aggregate classification (germline): Uncertain significance (1 of 4 stars; one submission).

Allele frequency attached by ClinVar (database versions not stated): gnomAD exomes below 0.00001; gnomAD 0.00001.

Submission:

Labcorp Genetics (formerly Invitae), Labcorp
Classification: Uncertain significance. Last evaluated: 2023-08-04. Review status: criteria provided, single submitter. Criteria: Invitae Variant Classification Sherloc (09022015). Collection method: clinical testing. Allele origin: germline.
Comment: In summary, the available evidence is currently insufficient to determine the role of this variant in disease. Therefore, it has been classified as a Variant of Uncertain Significance. Advanced modeling of protein sequence and biophysical properties (such as structural, functional, and spatial information, amino acid conservation, physicochemical variation, residue mobility, and thermodynamic stability) performed at Invitae indicates that this missense variant is not expected to disrupt MME protein function. ClinVar contains an entry for this variant (Variation ID: 2127124). This variant has not been reported in the literature in individuals affected with MME-related conditions. This variant is present in population databases (no rsID available, gnomAD 0.01%). This sequence change replaces valine, which is neutral and non-polar, with methionine, which is neutral and non-polar, at codon 344 of the MME protein (p.Val344Met).